The following is an entry in ClinVar:

ClinVar aggregate classification (germline): Pathogenic (1 of 4 stars; one submission).

Conditions:
Fanconi anemia complementation group J. Also called: BRIP1-Related Fanconi Anemia. Identifiers: Orphanet 84, MedGen C1836860, MONDO:0012187, OMIM 609054.

Submission:

Women's Health and Genetics/Laboratory Corporation of America, LabCorp
Classification: Pathogenic for Fanconi anemia complementation group J. Last evaluated: 2025-06-09. Review status: criteria provided, single submitter. Criteria: LabCorp Variant Classification Summary - May 2015. Collection method: clinical testing. Allele origin: germline.
Comment: Variant summary: BRIP1 c.517delC (p.Arg173ValfsX21) results in a premature termination codon, predicted to cause a truncation of the encoded protein or absence of the protein due to nonsense mediated decay, which are commonly known mechanisms for disease. The variant was absent in 251316 control chromosomes. To our knowledge, no occurrence of c.517delC in individuals affected with Fanconi Anemia Complementation Group J and no experimental evidence demonstrating its impact on protein function have been reported. No submitters have cited clinical-significance assessments for this variant to ClinVar. Based on the evidence outlined above, the variant was classified as pathogenic.

NM_032043.3(BRIP1):c.517del (p.Arg173fs)

Gene: BRIP1 (BRCA1 interacting DNA helicase 1; minus strand). Cytogenetic location: 17q23.2.
Variant type: Deletion.
Coding change: c.517del on transcript NM_032043.3 (MANE Select); coding-DNA position 517, one base deleted (C; older notation c.517delC).
Protein change: p.Arg173fs; shifts the reading frame from arginine 173.
Molecular consequence: frameshift variant.
Genome position (GRCh38, 1-based): chr17:61,847,211, G deleted on the plus strand (C on the coding strand, the reverse complement: BRIP1 is on the minus strand). VCF-style (leftmost placement, unchanged base first): chr17-61847210-CG-C. GRCh37 (hg19) VCF-style: chr17-59924571-CG-C.
Other names: c.517delC (NM_032043.3); short protein forms R173fs.
Identifiers: ClinVar variation 3907296 (VCV003907296.1).